The following is an entry in ClinVar:

NM_032801.5(JAM3):c.23G>A (p.Arg8Gln)

Gene: JAM3 (junctional adhesion molecule 3; plus strand). Cytogenetic location: 11q25.
Variant type: single nucleotide variant.
Coding change: c.23G>A on transcript NM_032801.5 (MANE Select); coding-DNA position 23, G replaced by A.
Protein change: p.Arg8Gln; replaces arginine 8 with glutamine.
Molecular consequence: missense variant.
Genome position (GRCh38, 1-based): chr11:134,069,106, G>A. VCF-style: chr11-134069106-G-A. GRCh37 (hg19) VCF-style: chr11-133939001-G-A.
Other names: c.23G>A, p.Arg8Gln (NM_001205329.2); short protein forms R8Q.
Identifiers: ClinVar variation 1966957 (VCV001966957.5), dbSNP rs2497161447, ClinGen allele CA383663940.

ClinVar aggregate classification (germline): Uncertain significance (1 of 4 stars; one submission).

gnomAD v4.1: 1 of 1,612,164 alleles (0.000062%); highest among the groups gnomAD compares: Admixed American, 0.0017%; no homozygotes.

Submission:

Labcorp Genetics (formerly Invitae), Labcorp
Classification: Uncertain significance. Last evaluated: 2022-05-03. Review status: criteria provided, single submitter. Criteria: Invitae Variant Classification Sherloc (09022015). Collection method: clinical testing. Allele origin: germline.
Comment: Algorithms developed to predict the effect of missense changes on protein structure and function are either unavailable or do not agree on the potential impact of this missense change (SIFT: "Tolerated"; PolyPhen-2: "Not Available"; Align-GVGD: "Class C0"). In summary, the available evidence is currently insufficient to determine the role of this variant in disease. Therefore, it has been classified as a Variant of Uncertain Significance. This variant has not been reported in the literature in individuals affected with JAM3-related conditions. This variant is not present in population databases (gnomAD no frequency). This sequence change replaces arginine, which is basic and polar, with glutamine, which is neutral and polar, at codon 8 of the JAM3 protein (p.Arg8Gln).